The following is an entry in ClinVar:

ClinVar aggregate classification (germline): Uncertain significance (1 of 4 stars; one submission).

Conditions:
Progressive familial heart block type IB (PFHB1B). Identifiers: Orphanet 871, MedGen C1970298, MONDO:0011474, OMIM 604559.

gnomAD v4.1: 3 of 1,613,964 alleles (0.00019%); highest among the groups gnomAD compares: Non-Finnish European, 0.00025%; no homozygotes.

Submission:

Labcorp Genetics (formerly Invitae), Labcorp
Classification: Uncertain significance for Progressive familial heart block type IB. Last evaluated: 2025-07-11. Review status: criteria provided, single submitter. Criteria: Invitae Variant Classification Sherloc (09022015). Collection method: clinical testing. Allele origin: germline.
Comment: This sequence change replaces methionine, which is neutral and non-polar, with valine, which is neutral and non-polar, at codon 355 of the TRPM4 protein (p.Met355Val). This variant is not present in population databases (gnomAD no frequency). This variant has not been reported in the literature in individuals affected with TRPM4-related conditions. ClinVar contains an entry for this variant (Variation ID: 3665386). An algorithm developed to predict the effect of missense changes on protein structure and function (PolyPhen-2) suggests that this variant is likely to be tolerated. In summary, the available evidence is currently insufficient to determine the role of this variant in disease. Therefore, it has been classified as a Variant of Uncertain Significance.

NM_017636.4(TRPM4):c.1063A>G (p.Met355Val)

Gene: TRPM4 (transient receptor potential cation channel subfamily M member 4; plus strand). Cytogenetic location: 19q13.33.
Variant type: single nucleotide variant.
Coding change: c.1063A>G on transcript NM_017636.4 (MANE Select); coding-DNA position 1063, A replaced by G.
Protein change: p.Met355Val; replaces methionine 355 with valine.
Molecular consequence: missense variant. On other transcripts: 5 prime UTR variant (1), intron variant (1).
Genome position (GRCh38, 1-based): chr19:49,172,021, A>G. VCF-style: chr19-49172021-A-G. GRCh37 (hg19) VCF-style: chr19-49675278-A-G.
Other names: c.1063A>G, p.Met355Val (NM_001195227.2); c.718A>G, p.Met240Val (NM_001321281.2); c.-491A>G (NM_001321282.2); c.541A>G, p.Met181Val (NM_001321283.2); c.201+252A>G (NM_001321285.2); short protein forms M181V, M355V, M240V.
Identifiers: ClinVar variation 3665386 (VCV003665386.2).